The following is an entry in ClinVar:

NM_024009.3(GJB3):c.130del (p.Trp44fs)

Gene: GJB3 (gap junction protein beta 3; plus strand). Cytogenetic location: 1p34.3.
Variant type: Deletion.
Coding change: c.130del on transcript NM_024009.3 (MANE Select); coding-DNA position 130, one base deleted (T; older notation c.130delT).
Protein change: p.Trp44fs; shifts the reading frame from tryptophan 44.
Molecular consequence: frameshift variant.
Genome position (GRCh38, 1-based): chr1:34,784,892, T deleted. VCF-style (leftmost placement, unchanged base first): chr1-34784891-GT-G. GRCh37 (hg19) VCF-style: chr1-35250492-GT-G.
Other names: c.130del, p.Trp44fs (NM_001005752.2); short protein forms W44fs.
Identifiers: ClinVar variation 2024873 (VCV002024873.4), dbSNP rs2521970129, ClinGen allele CA2580062693.

ClinVar aggregate classification (germline): Uncertain significance (1 of 4 stars; one submission).

Submission:

Labcorp Genetics (formerly Invitae), Labcorp
Classification: Uncertain significance. Last evaluated: 2024-11-05. Review status: criteria provided, single submitter. Criteria: Invitae Variant Classification Sherloc (09022015). Collection method: clinical testing. Allele origin: germline.
Comment: This sequence change creates a premature translational stop signal (p.Trp44Glyfs*224) in the GJB3 gene. While this is not anticipated to result in nonsense mediated decay, it is expected to disrupt the last 227 amino acid(s) of the GJB3 protein. This variant is not present in population databases (gnomAD no frequency). This variant has not been reported in the literature in individuals affected with GJB3-related conditions. ClinVar contains an entry for this variant (Variation ID: 2024873). Experimental studies and prediction algorithms are not available or were not evaluated, and the functional significance of this variant is currently unknown. In summary, the available evidence is currently insufficient to determine the role of this variant in disease. Therefore, it has been classified as a Variant of Uncertain Significance.